The following is an entry in ClinVar:

NM_000053.4(ATP7B):c.1782del (p.Thr593_Tyr594insTer)

Gene: ATP7B (ATPase copper transporting beta; minus strand). Cytogenetic location: 13q14.3.
Variant type: Deletion.
Coding change: c.1782del on transcript NM_000053.4 (MANE Select); coding-DNA position 1782, one base deleted (T; older notation c.1782delT).
Protein change: p.Thr593_Tyr594insTer.
Molecular consequence: nonsense.
Genome position (GRCh38, 1-based): chr13:51,964,959, A deleted on the plus strand (T on the coding strand, the reverse complement: ATP7B is on the minus strand). VCF-style (leftmost placement, unchanged base first): chr13-51964958-CA-C. GRCh37 (hg19) VCF-style: chr13-52539094-CA-C.
Other names: c.1782del, p.Thr593_Tyr594insTer (NM_001005918.3, NM_001330578.2, NM_001330579.2); c.1449del, p.Thr482_Tyr483insTer (NM_001243182.2); c.1782del (NM_000053.3).
Identifiers: ClinVar variation 189091 (VCV000189091.13), dbSNP rs780327716, ClinGen allele CA274368.

ClinVar aggregate classification (germline): Pathogenic. Review status: criteria provided, multiple submitters, no conflicts (2 of 4 stars). 5 submissions from 5 submitters: Pathogenic (4). 1 of the submissions does not count toward it. Last evaluated 2025-03-12.

Conditions:
Wilson disease (WND). Also called: Wilson's disease. Identifiers: Orphanet 905, MedGen C0019202, MONDO:0010200, OMIM 277900. Disease mechanism: loss of function.

Allele frequency attached by ClinVar (database versions not stated): gnomAD exomes below 0.00001 and 0.00001; ExAC 0.00001.

Submissions (5):

Natera, Inc.
Classification: Pathogenic for Wilson disease. Last evaluated: 2025-03-12. Review status: criteria provided, single submitter. Criteria: Natera Variant Classification Schema (03/2026). Collection method: clinical testing. Allele origin: germline.
Comment: The c.1782del variant in ATP7B is a frameshift variant predicted to shift the reading frame and introduce a stop codon. This variant is expected to result in nonsense mediated decay, truncation, or a dysfunctional protein product. This variant is rare in the general population with a frequency below the threshold expected for the associated phenotype(s). This variant has been observed in one or more individuals affected with the associated recessive disease, as either homozygous or compound heterozygous with a second variant (PMID: 20967755, 10544227). Given the available evidence, this variant is classified as Pathogenic.

Labcorp Genetics (formerly Invitae), Labcorp
Classification: Pathogenic for Wilson disease. Last evaluated: 2021-10-05. Review status: criteria provided, single submitter. Criteria: Invitae Variant Classification Sherloc (09022015). Collection method: clinical testing. Allele origin: germline.
Comment: For these reasons, this variant has been classified as Pathogenic. ClinVar contains an entry for this variant (Variation ID: 189091). This variant is also known as 1785delT. This premature translational stop signal has been observed in individual(s) with Wilson disease (PMID: 8533760, 19172127). This variant is present in population databases (rs780327716, ExAC 0.001%). This sequence change creates a premature translational stop signal (p.Tyr594*) in the ATP7B gene. It is expected to result in an absent or disrupted protein product. Loss-of-function variants in ATP7B are known to be pathogenic (PMID: 10441329, 16283883).

Genome-Nilou Lab
Classification: Pathogenic for Wilson disease. Last evaluated: 2021-08-10. Review status: criteria provided, single submitter. Criteria: ACMG Guidelines, 2015. Collection method: clinical testing. Allele origin: germline. Affected: no.

Women's Health and Genetics/Laboratory Corporation of America, LabCorp
Classification: Pathogenic for Wilson disease. Last evaluated: 2018-02-12. Review status: criteria provided, single submitter. Criteria: LabCorp Variant Classification Summary - May 2015. Collection method: clinical testing. Allele origin: germline.
Comment: Variant summary: ATP7B c.1782delT (p.Tyr594X) results in a premature termination codon, predicted to cause a truncation of the encoded protein or absence of the protein due to nonsense mediated decay, which are commonly known mechanisms for disease. Truncations downstream of this position have been classified as pathogenic by our laboratory (eg.c.1820dupA/p.Phe608fsX2). The variant allele was found at a frequency of 8.1e-06 in 246350 control chromosomes. This frequency is not higher than expected for a pathogenic variant in ATP7B causing Wilson Disease (8.1e-06 vs 0.0054), allowing no conclusion about variant significance. The c.1782delT variant has been reported in the literature in multiple individuals affected with Wilson Disease. These data indicate that the variant is very likely to be associated with disease. To our knowledge, no experimental evidence demonstrating an impact on protein function has been reported. No clinical diagnostic laboratories have submitted clinical-significance assessments for this variant to ClinVar after 2014. Based on the evidence outlined above, the variant was classified as pathogenic.

Counsyl
Classification: Likely pathogenic for Wilson's disease. Last evaluated: 2014-12-13. Review status: no assertion criteria provided. Collection method: literature only. Allele origin: unknown. Inheritance: Autosomal recessive inheritance. Not counted in ClinVar's aggregate classification.

Literature cited by the submitters: PubMed 20967755 (cited by Natera, Inc. and Women's Health and Genetics/Laboratory Corporation of America, LabCorp); PubMed 10544227 (cited by 3 submitters); PubMed 8533760 (cited by 3 submitters); PubMed 19172127 (cited by 3 submitters); PubMed 10441329 (cited by Labcorp Genetics (formerly Invitae), Labcorp); PubMed 16283883 (cited by Labcorp Genetics (formerly Invitae), Labcorp); PubMed 22940187 (cited by Women's Health and Genetics/Laboratory Corporation of America, LabCorp); PubMed 24661374 (cited by Counsyl).